The following is an entry in ClinVar:

NM_017654.4(SAMD9):c.1036G>A (p.Gly346Arg)

Gene: SAMD9 (sterile alpha motif domain containing 9; minus strand). Cytogenetic location: 7q21.2.
Variant type: single nucleotide variant.
Coding change: c.1036G>A on transcript NM_017654.4 (MANE Select); coding-DNA position 1036, G replaced by A.
Protein change: p.Gly346Arg; replaces glycine 346 with arginine.
Molecular consequence: missense variant.
Genome position (GRCh38, 1-based): chr7:93,105,062, C>T on the plus strand (G>A on the coding strand, the complement: SAMD9 is on the minus strand). VCF-style: chr7-93105062-C-T. GRCh37 (hg19) VCF-style: chr7-92734375-C-T.
Other names: c.1036G>A, p.Gly346Arg (NM_001193307.2); short protein forms G346R.
Identifiers: ClinVar variation 4629811 (VCV004629811.1).
Genomic context (GRCh38, chr7:93,105,062, plus strand): 5'-AATCTGCTTTAAATGCTCTGAAATCAACTTTATTTTTCGTAATGTCCTTAGAGCTGGTCC[C>T]ATCTCGCACAAATAGTGAGAATTTTTTACTTTGTTCCCATATTTTGTTGTTGTAATTTTG-3'
Protein context (NP_060124.2, residues 336-356): SKKFSLFVRD[Gly346Arg]TSSKDITKNK

ClinVar aggregate classification (germline): Uncertain significance (1 of 4 stars; one submission).

Conditions:
Inborn genetic diseases. Identifiers: MedGen C0950123, MeSH D030342.

Submission:

Ambry Genetics
Classification: Uncertain significance for Inborn genetic diseases. Last evaluated: 2025-09-20. Review status: criteria provided, single submitter. Criteria: Ambry Variant Classification Scheme 2023. Collection method: clinical testing. Allele origin: germline.
Comment: The p.G346R variant (also known as c.1036G>A), located in coding exon 1 of the SAMD9 gene, results from a G to A substitution at nucleotide position 1036. The glycine at codon 346 is replaced by arginine, an amino acid with dissimilar properties. This amino acid position is conserved. In addition, the in silico prediction for this alteration is inconclusive. Based on the available evidence, the clinical significance of this variant remains unclear.